The following is an entry in ClinVar:

NM_020964.3(EPG5):c.5684A>G (p.Gln1895Arg)

Gene: EPG5 (ectopic P-granules 5 autophagy tethering factor; minus strand). Cytogenetic location: 18q12.3.
Variant type: single nucleotide variant.
Coding change: c.5684A>G on transcript NM_020964.3 (MANE Select); coding-DNA position 5684, A replaced by G.
Protein change: p.Gln1895Arg; replaces glutamine 1895 with arginine.
Molecular consequence: missense variant.
Genome position (GRCh38, 1-based): chr18:45,879,198, T>C on the plus strand (A>G on the coding strand, the complement: EPG5 is on the minus strand). VCF-style: chr18-45879198-T-C. GRCh37 (hg19) VCF-style: chr18-43459163-T-C.
Other names: c.5684A>G, p.Gln1895Arg (NM_001410858.1, NM_001410859.1); short protein forms Q1895R.
Identifiers: ClinVar variation 3719962 (VCV003719962.2).

ClinVar aggregate classification (germline): Uncertain significance (1 of 4 stars; one submission).

Conditions:
Vici syndrome (VICIS). Identifiers: Orphanet 1493, MedGen C1855772, MONDO:0009452, OMIM 242840.

gnomAD v4.1: 33 of 1,609,492 alleles (0.0021%); highest among the groups gnomAD compares: South Asian, 0.028%; no homozygotes.

Submission:

Labcorp Genetics (formerly Invitae), Labcorp
Classification: Uncertain significance for Vici syndrome. Last evaluated: 2024-10-05. Review status: criteria provided, single submitter. Criteria: Invitae Variant Classification Sherloc (09022015). Collection method: clinical testing. Allele origin: germline.
Comment: This sequence change replaces glutamine, which is neutral and polar, with arginine, which is basic and polar, at codon 1895 of the EPG5 protein (p.Gln1895Arg). This variant is present in population databases (rs140331614, gnomAD 0.02%). This variant has not been reported in the literature in individuals affected with EPG5-related conditions. Invitae Evidence Modeling of protein sequence and biophysical properties (such as structural, functional, and spatial information, amino acid conservation, physicochemical variation, residue mobility, and thermodynamic stability) indicates that this missense variant is not expected to disrupt EPG5 protein function with a negative predictive value of 80%. In summary, the available evidence is currently insufficient to determine the role of this variant in disease. Therefore, it has been classified as a Variant of Uncertain Significance.